The following is an entry in ClinVar:

ClinVar aggregate classification (germline): Uncertain significance (1 of 4 stars; one submission).

Conditions:
Hereditary hyperekplexia. Identifiers: Orphanet 3197, MedGen C4084968, MONDO:0021022.

Submission:

Labcorp Genetics (formerly Invitae), Labcorp
Classification: Uncertain significance for Hereditary hyperekplexia. Last evaluated: 2024-02-24. Review status: criteria provided, single submitter. Criteria: Invitae Variant Classification Sherloc (09022015). Collection method: clinical testing. Allele origin: germline.
Comment: This sequence change replaces glycine, which is neutral and non-polar, with serine, which is neutral and polar, at codon 422 of the GLRA1 protein (p.Gly422Ser). This variant is not present in population databases (gnomAD no frequency). This variant has not been reported in the literature in individuals affected with GLRA1-related conditions. Advanced modeling of protein sequence and biophysical properties (such as structural, functional, and spatial information, amino acid conservation, physicochemical variation, residue mobility, and thermodynamic stability) performed at Invitae indicates that this missense variant is not expected to disrupt GLRA1 protein function with a negative predictive value of 80%. In summary, the available evidence is currently insufficient to determine the role of this variant in disease. Therefore, it has been classified as a Variant of Uncertain Significance.

NM_000171.4(GLRA1):c.1264G>A (p.Gly422Ser)

Gene: GLRA1 (glycine receptor alpha 1; minus strand). Cytogenetic location: 5q33.1.
Variant type: single nucleotide variant.
Coding change: c.1264G>A on transcript NM_000171.4 (MANE Select); coding-DNA position 1264, G replaced by A.
Protein change: p.Gly422Ser; replaces glycine 422 with serine.
Molecular consequence: missense variant.
Genome position (GRCh38, 1-based): chr5:151,822,759, C>T on the plus strand (G>A on the coding strand, the complement: GLRA1 is on the minus strand). VCF-style: chr5-151822759-C-T. GRCh37 (hg19) VCF-style: chr5-151202320-C-T.
Other names: c.1288G>A, p.Gly430Ser (NM_001146040.2); c.1015G>A, p.Gly339Ser (NM_001292000.2); short protein forms G339S, G422S, G430S.
Identifiers: ClinVar variation 3643110 (VCV003643110.2).